The following is an entry in ClinVar:

NM_000179.3(MSH6):c.2741C>A (p.Thr914Lys)

Gene: MSH6 (mutS homolog 6; plus strand). Cytogenetic location: 2p16.3.
Variant type: single nucleotide variant.
Coding change: c.2741C>A on transcript NM_000179.3 (MANE Select); coding-DNA position 2741, C replaced by A.
Protein change: p.Thr914Lys; replaces threonine 914 with lysine.
Molecular consequence: missense variant.
Genome position (GRCh38, 1-based): chr2:47,800,724, C>A. VCF-style: chr2-47800724-C-A. GRCh37 (hg19) VCF-style: chr2-48027863-C-A.
Other names: c.2351C>A, p.Thr784Lys (NM_001281492.2); c.1835C>A, p.Thr612Lys (NM_001281493.2, NM_001281494.2); short protein forms T914K, T612K, T784K.
Identifiers: ClinVar variation 483801 (VCV000483801.16), dbSNP rs1553414094, ClinGen allele CA346755397.

ClinVar aggregate classification (germline): Uncertain significance. Review status: criteria provided, multiple submitters, no conflicts (2 of 4 stars). 3 submissions from 3 submitters: Uncertain significance (3). Last evaluated 2025-03-31.

Conditions:
Lynch syndrome. Identifiers: Orphanet 144, MedGen C4552100, MONDO:0005835. Disease mechanism: loss of function.
Hereditary nonpolyposis colorectal neoplasms. Identifiers: MedGen C0009405, MeSH D003123.
Hereditary cancer-predisposing syndrome. Also called: Neoplastic Syndromes, Hereditary; Tumor predisposition; Hereditary Cancer Syndrome; Hereditary neoplastic syndrome. Identifiers: Orphanet 140162, MedGen C0027672, MeSH D009386, MONDO:0015356.

gnomAD v4.1: 1 of 1,614,152 alleles (0.000062%); highest among the groups gnomAD compares: Non-Finnish European, 0.000085%; no homozygotes.

Submissions (3):

Ambry Genetics
Classification: Uncertain significance for Hereditary cancer-predisposing syndrome. Last evaluated: 2025-03-31. Review status: criteria provided, single submitter. Criteria: Ambry Variant Classification Scheme 2023. Collection method: clinical testing. Allele origin: germline.
Comment: The p.T914K variant (also known as c.2741C>A), located in coding exon 4 of the MSH6 gene, results from a C to A substitution at nucleotide position 2741. The threonine at codon 914 is replaced by lysine, an amino acid with similar properties. This amino acid position is well conserved in available vertebrate species. In addition, the in silico prediction for this alteration is inconclusive. Since supporting evidence is limited at this time, the clinical significance of this alteration remains unclear.

All of Us Research Program, National Institutes of Health
Classification: Uncertain significance for Lynch syndrome. Last evaluated: 2024-01-11. Review status: criteria provided, single submitter. Criteria: ACMG Guidelines, 2015. Collection method: clinical testing. Allele origin: germline. Inheritance: Autosomal dominant inheritance. Observed: 1 variant allele, 1 heterozygote.
Comment: This study involves interpretation of variants in research participants for the purpose of population health screening. Participant phenotype was not available at the time of variant classification. Additional details can be found in publication PMID: 35346344, PMCID: PMC8962531

Labcorp Genetics (formerly Invitae), Labcorp
Classification: Uncertain significance for Hereditary nonpolyposis colorectal neoplasms. Last evaluated: 2024-01-11. Review status: criteria provided, single submitter. Criteria: Invitae Variant Classification Sherloc (09022015). Collection method: clinical testing. Allele origin: germline.
Comment: This sequence change replaces threonine, which is neutral and polar, with lysine, which is basic and polar, at codon 914 of the MSH6 protein (p.Thr914Lys). This variant is not present in population databases (gnomAD no frequency). This variant has not been reported in the literature in individuals affected with MSH6-related conditions. ClinVar contains an entry for this variant (Variation ID: 483801). Advanced modeling of protein sequence and biophysical properties (such as structural, functional, and spatial information, amino acid conservation, physicochemical variation, residue mobility, and thermodynamic stability) performed at Invitae indicates that this missense variant is not expected to disrupt MSH6 protein function with a negative predictive value of 95%. In summary, the available evidence is currently insufficient to determine the role of this variant in disease. Therefore, it has been classified as a Variant of Uncertain Significance.